The following is an entry in ClinVar:

ClinVar aggregate classification (germline): Uncertain significance. Review status: criteria provided, multiple submitters, no conflicts (2 of 4 stars). 2 submissions from 2 submitters: Uncertain significance (2). Last evaluated 2025-03-05.

Conditions:
Charcot-Marie-Tooth disease type 2. Also called: Charcot-Marie-Tooth type 2. Identifiers: Orphanet 64746, MedGen C0270914, MONDO:0018993.

Submissions (2):

Ambry Genetics
Classification: Uncertain significance. Last evaluated: 2025-03-05. Review status: criteria provided, single submitter. Criteria: Ambry Variant Classification Scheme 2023. Collection method: clinical testing. Allele origin: germline.
Comment: The p.A323T variant (also known as c.967G>A), located in coding exon 10 of the KIF1B gene, results from a G to A substitution at nucleotide position 967. The alanine at codon 323 is replaced by threonine, an amino acid with similar properties. This amino acid position is conserved. In addition, this alteration is predicted to be deleterious by in silico analysis. Based on the available evidence, the clinical significance of this variant remains unclear.

Labcorp Genetics (formerly Invitae), Labcorp
Classification: Uncertain significance for Charcot-Marie-Tooth disease type 2. Last evaluated: 2021-07-29. Review status: criteria provided, single submitter. Criteria: Invitae Variant Classification Sherloc (09022015). Collection method: clinical testing. Allele origin: germline.
Comment: Algorithms developed to predict the effect of missense changes on protein structure and function (SIFT, PolyPhen-2, Align-GVGD) all suggest that this variant is likely to be disruptive. This variant has not been reported in the literature in individuals affected with KIF1B-related conditions. This variant is not present in population databases (ExAC no frequency). This sequence change replaces alanine with threonine at codon 323 of the KIF1B protein (p.Ala323Thr). The alanine residue is highly conserved and there is a small physicochemical difference between alanine and threonine. In summary, the available evidence is currently insufficient to determine the role of this variant in disease. Therefore, it has been classified as a Variant of Uncertain Significance.

NM_001365951.3(KIF1B):c.985G>A (p.Ala329Thr)

Gene: KIF1B (kinesin family member 1B; plus strand). Cytogenetic location: 1p36.22.
Variant type: single nucleotide variant.
Coding change: c.985G>A on transcript NM_001365951.3 (MANE Select); coding-DNA position 985, G replaced by A.
Protein change: p.Ala329Thr; replaces alanine 329 with threonine.
Molecular consequence: missense variant.
Genome position (GRCh38, 1-based): chr1:10,276,347, G>A. VCF-style: chr1-10276347-G-A. GRCh37 (hg19) VCF-style: chr1-10336405-G-A.
Other names: c.985G>A, p.Ala329Thr (NM_001365952.1); c.967G>A, p.Ala323Thr (NM_001365953.1, NM_015074.3, NM_183416.4); short protein forms A329T, A323T.
Identifiers: ClinVar variation 1397675 (VCV001397675.7), dbSNP rs2102222288, ClinGen allele CA338332877.
Genomic context (GRCh38, chr1:10,276,347, plus strand): 5'-AGTGTGATTTGATACTCATGATTAATCTTTTTAGGTGGCAATTCTCGGACTGCAATGGTT[G>A]CTGCTCTGAGCCCCGCGGATATCAACTACGATGAGACTTTGAGCACTCTGAGGTACTTTC-3'
Protein context (NP_001352880.1, residues 319-339): LGGNSRTAMV[Ala329Thr]ALSPADINYD